The following is an entry in ClinVar:

ClinVar aggregate classification (germline): Uncertain significance (1 of 4 stars; one submission).

Allele frequency attached by ClinVar (database versions not stated): gnomAD exomes 0.00001; ExAC 0.00002.
gnomAD v4.1: 9 of 1,614,140 alleles (0.00056%); highest among the groups gnomAD compares: South Asian, 0.0022%; no homozygotes.

Submission:

Labcorp Genetics (formerly Invitae), Labcorp
Classification: Uncertain significance. Last evaluated: 2022-03-22. Review status: criteria provided, single submitter. Criteria: Invitae Variant Classification Sherloc (09022015). Collection method: clinical testing. Allele origin: germline.
Comment: This sequence change replaces serine, which is neutral and polar, with leucine, which is neutral and non-polar, at codon 322 of the NDUFV1 protein (p.Ser322Leu). This variant is present in population databases (rs779591861, gnomAD 0.003%). This variant has not been reported in the literature in individuals affected with NDUFV1-related conditions. Advanced modeling of protein sequence and biophysical properties (such as structural, functional, and spatial information, amino acid conservation, physicochemical variation, residue mobility, and thermodynamic stability) performed at Invitae indicates that this missense variant is expected to disrupt NDUFV1 protein function. In summary, the available evidence is currently insufficient to determine the role of this variant in disease. Therefore, it has been classified as a Variant of Uncertain Significance.

NM_007103.4(NDUFV1):c.965C>T (p.Ser322Leu)

Gene: NDUFV1 (NADH:ubiquinone oxidoreductase core subunit V1; plus strand). Cytogenetic location: 11q13.2.
Variant type: single nucleotide variant.
Coding change: c.965C>T on transcript NM_007103.4 (MANE Select); coding-DNA position 965, C replaced by T.
Protein change: p.Ser322Leu; replaces serine 322 with leucine.
Molecular consequence: missense variant.
Genome position (GRCh38, 1-based): chr11:67,611,454, C>T. VCF-style: chr11-67611454-C-T. GRCh37 (hg19) VCF-style: chr11-67378925-C-T.
Other names: c.938C>T, p.Ser313Leu (NM_001166102.2); short protein forms S322L, S313L.
Identifiers: ClinVar variation 1897110 (VCV001897110.2), dbSNP rs779591861, ClinGen allele CA6143349.